The following is an entry in ClinVar:

NM_016239.4(MYO15A):c.9181G>A (p.Glu3061Lys)

Gene: MYO15A (myosin XVA; plus strand). Cytogenetic location: 17p11.2.
Variant type: single nucleotide variant.
Coding change: c.9181G>A on transcript NM_016239.4 (MANE Select); coding-DNA position 9181, G replaced by A.
Protein change: p.Glu3061Lys; replaces glutamic acid 3061 with lysine.
Molecular consequence: missense variant.
Genome position (GRCh38, 1-based): chr17:18,159,299, G>A. VCF-style: chr17-18159299-G-A. GRCh37 (hg19) VCF-style: chr17-18062613-G-A.
Other names: short protein forms E3061K.
Identifiers: ClinVar variation 228972 (VCV000228972.20), dbSNP rs116833707, ClinGen allele CA8425416.
Genomic context (GRCh38, chr17:18,159,299, plus strand): 5'-CCTCCTCCATCATGACACAGCCCTCTTCCCCCACAGACTCCCCTCCAGGAATCCCTCATC[G>A]AACTCAGCGACAGCAGCCTCAGCAAGATGGCCACCGACATGTTCCTAGGTGTGGGAGTGG-3'
Protein context (NP_057323.3, residues 3051-3071): TKTPLQESLI[Glu3061Lys]LSDSSLSKMA

ClinVar aggregate classification (germline): Conflicting classifications of pathogenicity. Review status: criteria provided, conflicting classifications (1 of 4 stars). 7 submissions from 7 submitters: Uncertain significance (4); Likely benign (2). 1 of the submissions does not count toward it. Last evaluated 2026-01-25.

Conditions:
MYO15A-related disorder. Also called: MYO15A-related condition.

Allele frequency attached by ClinVar (database versions not stated): gnomAD exomes 0.00009 and 0.00018; ExAC 0.00021; 1000 Genomes Project 30x 0.00047; 1000 Genomes Project 0.00060; TOPMed 0.00078; ESP Exome Variant Server 0.00079; gnomAD 0.00080 and 0.00089.
gnomAD v4.1: 255 of 1,614,000 alleles (0.016%); highest among the groups gnomAD compares: African/African-American, 0.31%; no homozygotes.

Submissions (7):

Labcorp Genetics (formerly Invitae), Labcorp
Classification: Likely benign. Last evaluated: 2026-01-25. Review status: criteria provided, single submitter. Criteria: Invitae Variant Classification Sherloc (09022015). Collection method: clinical testing. Allele origin: germline.

Blueprint Genetics
Classification: Uncertain significance. Last evaluated: 2024-07-01. Review status: criteria provided, single submitter. Criteria: ACMG Guidelines, 2015. Collection method: clinical testing. Allele origin: germline.

GeneDx
Classification: Likely benign. Last evaluated: 2020-05-04. Review status: criteria provided, single submitter. Criteria: GeneDx Variant Classification Process June 2021. Collection method: clinical testing. Allele origin: germline. Affected: yes.

Athena Diagnostics
Classification: Uncertain significance. Last evaluated: 2019-08-14. Review status: criteria provided, single submitter. Criteria: Athena Diagnostics Criteria. Collection method: clinical testing. Allele origin: germline.

Eurofins Ntd Llc (ga)
Classification: Uncertain significance. Last evaluated: 2018-09-11. Review status: criteria provided, single submitter. Criteria: EGL ClinVar v180209 classification definitions. Collection method: clinical testing. Allele origin: germline. Observed: 1 variant allele, 1 heterozygote.

Laboratory for Molecular Medicine, Mass General Brigham Personalized Medicine
Classification: Uncertain significance. Last evaluated: 2017-12-11. Review status: criteria provided, single submitter. Criteria: LMM Criteria. Collection method: clinical testing. Allele origin: germline. Observed: 3 variant alleles.
Comment: Variant classified as Uncertain Significance - Favor Benign. The p.Glu3061Lys va riant in MYO15A has been previously reported by our laboratory in two individual s with hearing loss, but a variant affecting the second copy of the gene was not identified in either individual. This variant has been identified in 0.28% (66/ 23988) of African chromosomes by the Genome Aggregation Database (gnomAD; dbSNP rs116833707). Although this variant has been s een in the general population, its frequency is not high enough to rule out a pa thogenic role. Computational prediction tools and conservation analysis do not p rovide strong support for or against an impact to the protein. In summary, while the clinical significance of the p.Glu3061Lys variant is uncertain, its frequen cy in the general population suggests that it is more likely to be benign. ACMG/ AMP Criteria applied: BS1_Supporting.

PreventionGenetics, part of Exact Sciences
Classification: Likely benign for MYO15A-related condition. Last evaluated: 2024-08-21. Review status: no assertion criteria provided. Collection method: clinical testing. Allele origin: germline. Not counted in ClinVar's aggregate classification.
Comment: This variant is classified as likely benign based on ACMG/AMP sequence variant interpretation guidelines (Richards et al. 2015 PMID: 25741868, with internal and published modifications).